The following is an entry in ClinVar:

NM_138295.5(PKD1L1):c.1278C>G (p.Thr426=)

Gene: PKD1L1 (polycystin 1 like 1, transient receptor potential channel interacting; minus strand). Cytogenetic location: 7p12.3.
Variant type: single nucleotide variant.
Coding change: c.1278C>G on transcript NM_138295.5 (MANE Select); coding-DNA position 1278, C replaced by G.
Protein change: p.Thr426=; no amino-acid change (threonine 426 retained).
Molecular consequence: synonymous variant.
Genome position (GRCh38, 1-based): chr7:47,908,201, G>C on the plus strand (C>G on the coding strand, the complement: PKD1L1 is on the minus strand). VCF-style: chr7-47908201-G-C. GRCh37 (hg19) VCF-style: chr7-47947798-G-C.
Identifiers: ClinVar variation 4978559 (VCV004978559.1).

ClinVar aggregate classification (germline): Likely benign (1 of 4 stars; one submission).

Conditions:
PKD1L1-related disorder. Also called: PKD1L1-related condition.

gnomAD v4.1: 8 of 1,614,014 alleles (0.0005%); highest among the groups gnomAD compares: Non-Finnish European, 0.00068%; no homozygotes.

Submission:

PreventionGenetics, part of Exact Sciences
Classification: Likely benign for PKD1L1-related condition. Last evaluated: 2025-12-31. Review status: criteria provided, single submitter. Criteria: ACMG Guidelines, 2015. Collection method: clinical testing. Allele origin: germline.
Comment: This variant is classified as likely benign based on ACMG/AMP sequence variant interpretation guidelines (Richards et al. 2015 PMID: 25741868, with internal and published modifications).